The following is an entry in ClinVar:

NM_001184880.2(PCDH19):c.528G>T (p.Leu176=)

Gene: PCDH19 (protocadherin 19; minus strand). Cytogenetic location: Xq22.1.
Variant type: single nucleotide variant.
Coding change: c.528G>T on transcript NM_001184880.2 (MANE Select); coding-DNA position 528, G replaced by T.
Protein change: p.Leu176=; no amino-acid change (leucine 176 retained).
Molecular consequence: synonymous variant.
Genome position (GRCh38, 1-based): chrX:100,408,070, C>A on the plus strand (G>T on the coding strand, the complement: PCDH19 is on the minus strand). VCF-style: chrX-100408070-C-A. GRCh37 (hg19) VCF-style: chrX-99663068-C-A.
Other names: c.528G>T, p.Leu176= (NM_001105243.2, NM_020766.3).
Identifiers: ClinVar variation 626146 (VCV000626146.13), dbSNP rs971048873, ClinGen allele CA333826096.
Genomic context (GRCh38, chrX:100,408,070, plus strand): 5'-CAGGCTCTTTTCCACCACGAGTTCGGCAAAGCGGGAGCCGTCGCCGCGCGTCTTGATCTC[C>A]AGGCCGAACAGCTCGTTGGGCGTGAGCTCGTAAGTCTGCACGCCAAAGCTTCCTGAGTCT-3'
Protein context (NP_001171809.1, residues 166-186): YELTPNELFG[Leu176=]EIKTRGDGSR

ClinVar aggregate classification (germline): Conflicting classifications of pathogenicity. Review status: criteria provided, conflicting classifications (1 of 4 stars). 3 submissions from 3 submitters: Uncertain significance (1); Likely benign (2). Last evaluated 2025-06-04.

Conditions:
Inborn genetic diseases. Identifiers: MedGen C0950123, MeSH D030342.
Developmental and epileptic encephalopathy, 9 (DEE9). Also called: Early infantile epileptic encephalopathy 9; JUBERG-HELLMAN SYNDROME; PCDH19-Related X-Linked Female-Limited Epilepsy with Mental Retardation; EPILEPSY, FEMALE-RESTRICTED, WITH MENTAL RETARDATION. Identifiers: Orphanet 101039, Orphanet 2076, MedGen C1848137, MONDO:0010246, OMIM 300088. Disease mechanism: loss of function.

Allele frequency attached by ClinVar (database versions not stated): gnomAD 0.00001; TOPMed 0.00004.
gnomAD v4.1: 1 of 1,208,749 alleles (0.000083%); highest among the groups gnomAD compares: Admixed American, 0.0022%; no homozygotes.

Submissions (3):

Labcorp Genetics (formerly Invitae), Labcorp
Classification: Likely benign for Developmental and epileptic encephalopathy, 9. Last evaluated: 2025-06-04. Review status: criteria provided, single submitter. Criteria: Invitae Variant Classification Sherloc (09022015). Collection method: clinical testing. Allele origin: germline.

Center for Genomics, Ann and Robert H. Lurie Children's Hospital of Chicago
Classification: Uncertain significance for Developmental and epileptic encephalopathy, 9. Last evaluated: 2021-11-11. Review status: criteria provided, single submitter. Criteria: ACMG Guidelines, 2015. Collection method: clinical testing. Allele origin: germline.
Comment: PCDH19 NM_001105243 exon 1 p.Leu176Leu (c.528G>T): This variant has not been reported in the literature but is present in 1/79908 European individuals as a hemizygote in the Genome Aggregation Database. Evolutionary conservation and computational predictive tools for this variant are limited or unavailable. Of note, this variant is a silent variant and does not change the amino acid, reducing the probability that this variant is disease causing. In summary, data on this variant is insufficient for disease classification. Therefore, the clinical significance of this variant is uncertain.

Ambry Genetics
Classification: Likely benign for Inborn genetic diseases. Last evaluated: 2017-09-21. Review status: criteria provided, single submitter. Criteria: Ambry Variant Classification Scheme 2023. Collection method: clinical testing. Allele origin: germline.